The following is an entry in ClinVar:

ClinVar aggregate classification (germline): Pathogenic (1 of 4 stars; one submission).

Submission:

Labcorp Genetics (formerly Invitae), Labcorp
Classification: Pathogenic. Last evaluated: 2021-04-01. Review status: criteria provided, single submitter. Criteria: Invitae Variant Classification Sherloc (09022015). Collection method: clinical testing. Allele origin: germline.
Comment: For these reasons, this variant has been classified as Pathogenic. This variant has not been reported in the literature in individuals with LAMA3-related conditions. This variant is a gross deletion of the genomic region encompassing exon(s) 31 of the LAMA3 gene. This deletion is out-of-frame, and is expected to create a premature translational stop signal and result in an absent or disrupted protein product. Loss-of-function variants in LAMA3 are known to be pathogenic (PMID: 10366601, 11810295, 12915477, 16473856, 17362460, 23869449, 28087116).

Literature cited by the submitters: PubMed 10366601; PubMed 11810295; PubMed 12915477; PubMed 16473856; PubMed 17362460; PubMed 23869449; PubMed 28087116.

NC_000018.9:g.(?_21519177)_(21519360_?)del

Gene: LAMA3 (laminin subunit alpha 3; plus strand). Cytogenetic location: 18q11.2.
Variant type: Deletion.
Identifiers: ClinVar variation 1454684 (VCV001454684.6).